The following is an entry in ClinVar:

NM_001079537.2(TRAPPC6B):c.108G>A (p.Leu36=)

Gene: TRAPPC6B (trafficking protein particle complex subunit 6B; minus strand). Cytogenetic location: 14q21.1.
Variant type: single nucleotide variant.
Coding change: c.108G>A on transcript NM_001079537.2 (MANE Select); coding-DNA position 108, G replaced by A.
Protein change: p.Leu36=; no amino-acid change (leucine 36 retained).
Molecular consequence: synonymous variant.
Genome position (GRCh38, 1-based): chr14:39,159,524, C>T on the plus strand (G>A on the coding strand, the complement: TRAPPC6B is on the minus strand). VCF-style: chr14-39159524-C-T. GRCh37 (hg19) VCF-style: chr14-39628728-C-T.
Other names: c.108G>A, p.Leu36= (NM_177452.4).
Identifiers: ClinVar variation 3043792 (VCV003043792.2), dbSNP rs749257405, ClinGen allele CA7162861.

ClinVar aggregate classification (germline): Likely benign (0 of 4 stars; one submission).

Conditions:
TRAPPC6B-related disorder. Also called: TRAPPC6B-related condition.

Allele frequency attached by ClinVar (database versions not stated): gnomAD 0.00001; gnomAD exomes 0.00001; ExAC 0.00002; TOPMed 0.00002.
gnomAD v4.1: 11 of 1,604,776 alleles (0.00069%); highest among the groups gnomAD compares: South Asian, 0.0011%; no homozygotes.

Submission:

PreventionGenetics, part of Exact Sciences
Classification: Likely benign for TRAPPC6B-related condition. Last evaluated: 2019-06-05. Review status: no assertion criteria provided. Collection method: clinical testing. Allele origin: germline.
Comment: This variant is classified as likely benign based on ACMG/AMP sequence variant interpretation guidelines (Richards et al. 2015 PMID: 25741868, with internal and published modifications).